The following is an entry in ClinVar:

NM_025215.6(PUS1):c.406A>C (p.Lys136Gln)

Genes: PUS1 (pseudouridine synthase 1; plus strand), LOC132090059 (Neanderthal introgressed variant-containing enhancer experimental_25941; plus strand). Cytogenetic location: 12q24.33.
Variant type: single nucleotide variant.
Coding change: c.406A>C on transcript NM_025215.6 (MANE Select); coding-DNA position 406, A replaced by C.
Protein change: p.Lys136Gln; replaces lysine 136 with glutamine.
Molecular consequence: missense variant.
Genome position (GRCh38, 1-based): chr12:131,932,277, A>C. VCF-style: chr12-131932277-A-C. GRCh37 (hg19) VCF-style: chr12-132416822-A-C.
Other names: c.322A>C, p.Lys108Gln (NM_001002019.3, NM_001002020.3); short protein forms K136Q, K108Q.
Identifiers: ClinVar variation 2315883 (VCV002315883.26), dbSNP rs1890638566, ClinGen allele CA387298086.

ClinVar aggregate classification (germline): Uncertain significance. Review status: criteria provided, multiple submitters, no conflicts (2 of 4 stars). 2 submissions from 2 submitters: Uncertain significance (2). Last evaluated 2022-10-03.

Conditions:
Inborn genetic diseases. Identifiers: MedGen C0950123, MeSH D030342.

Submissions (2):

Ambry Genetics
Classification: Uncertain significance for Inborn genetic diseases. Last evaluated: 2022-10-03. Review status: criteria provided, single submitter. Criteria: Ambry Variant Classification Scheme 2023. Collection method: clinical testing. Allele origin: germline.

CeGaT Center for Human Genetics Tuebingen
Classification: Uncertain significance. Last evaluated: 2022-04-01. Review status: criteria provided, single submitter. Criteria: CeGaT Center For Human Genetics Tuebingen Variant Classification Criteria Version 2. Collection method: clinical testing. Allele origin: germline. Affected: yes. Observed: 1 variant allele.
Comment: PUS1: PM2